The following is an entry in ClinVar:

NM_173354.5(SIK1):c.*7C>T

Gene: SIK1 (salt inducible kinase 1; minus strand). Cytogenetic location: 21q22.3.
Variant type: single nucleotide variant.
Coding change: c.*7C>T on transcript NM_173354.5 (MANE Select); 7 bases downstream of the stop codon, C replaced by T.
Molecular consequence: 3 prime UTR variant.
Genome position (GRCh38, 1-based): chr21:43,416,735, G>A on the plus strand (C>T on the coding strand, the complement: SIK1 is on the minus strand). VCF-style: chr21-43416735-G-A. GRCh37 (hg19) VCF-style: chr21-44836615-G-A.
Identifiers: ClinVar variation 4684437 (VCV004684437.1).

ClinVar aggregate classification (germline): Likely benign (1 of 4 stars; one submission).

Submission:

Mayo Clinic Laboratories, Mayo Clinic
Classification: Likely benign. Last evaluated: 2025-01-02. Review status: criteria provided, single submitter. Criteria: ACMG Guidelines, 2015. Collection method: clinical testing. Allele origin: germline. Observed: 1 variant allele.
Comment: BS1